The following is an entry in ClinVar:

ClinVar aggregate classification (germline): Benign/Likely benign. Review status: criteria provided, multiple submitters, no conflicts (2 of 4 stars). 3 submissions from 3 submitters: Benign (1); Likely benign (2). Last evaluated 2025-02-01.

Conditions:
Amyotrophic lateral sclerosis type 18. Identifiers: Orphanet 803, MedGen C3553719, MONDO:0013891, OMIM 614808.

Allele frequency attached by ClinVar (database versions not stated): ESP Exome Variant Server 0.00023; 1000 Genomes Project 0.00040; ExAC 0.00040; gnomAD 0.00056; TOPMed 0.00059; gnomAD exomes 0.00115.
gnomAD v4.1: 1,750 of 1,613,184 alleles (0.11%); highest among the groups gnomAD compares: Non-Finnish European, 0.14%; 1 homozygote.

Submissions (3):

CeGaT Center for Human Genetics Tuebingen
Classification: Benign. Last evaluated: 2025-02-01. Review status: criteria provided, single submitter. Criteria: CeGaT Center For Human Genetics Tuebingen Variant Classification Criteria Version 2. Collection method: clinical testing. Allele origin: germline. Affected: yes. Observed: 2 variant alleles.
Comment: PFN1: BS1, BS2

Blueprint Genetics
Classification: Likely benign. Last evaluated: 2024-07-23. Review status: criteria provided, single submitter. Criteria: ACMG Guidelines, 2015. Collection method: clinical testing. Allele origin: germline.

Victorian Clinical Genetics Services, Murdoch Childrens Research Institute
Classification: Likely benign for Amyotrophic lateral sclerosis type 18. Last evaluated: 2019-08-28. Review status: criteria provided, single submitter. Criteria: ACMG Guidelines, 2015. Collection method: clinical testing. Allele origin: germline. Inheritance: Autosomal dominant inheritance.
Comment: A heterozygous in-frame deletion insertion variant was identified, NM_005022.3(PFN1):c.350_351delinsGT in exon 3 of 3 of the PFN1 gene. This in-frame deletion insertion is predicted to create a moderate amino acid change from a glutamic acid to a glycine at position 117 of the protein, NP_005013.1(PFN1):p.(Glu117Gly). The glutamic acid at this position has high conservation (100 vertebrates, UCSC) and is located within the profiling domain. This variant is seen in gnomAD as two independent missense variants at a frequency of 0.05% each (140 heterozygotes and 136 heterozygotes). The variant has been previously reported in patients with ALS and also in control populations. Recent publications have called this variant a risk factor (ClinVar, Wu, CH. et al. (2012), Yang, S. et al. (2013), Fratta, P. et al. (2014)). Additionally, conflicting functional evidence has been reported for this variant (Wu, CH. et al. (2012), Henty-Ridilla, JL. et al. (2018)). A different variant in the same codon resulting in a change to aspartic acid has also been reported as pathogenic in ALS (Yang, S. et al. (2013)). Based on information available at the time of curation, this variant has been classified as LIKELY BENIGN.

NM_005022.4(PFN1):c.351A>T (p.Glu117Asp)

Gene: PFN1 (profilin 1; minus strand). Cytogenetic location: 17p13.2.
Variant type: single nucleotide variant.
Coding change: c.351A>T on transcript NM_005022.4 (MANE Select); coding-DNA position 351, A replaced by T.
Protein change: p.Glu117Asp; replaces glutamic acid 117 with aspartic acid.
Molecular consequence: missense variant. On other transcripts: 3 prime UTR variant (1).
Genome position (GRCh38, 1-based): chr17:4,945,972, T>A on the plus strand (A>T on the coding strand, the complement: PFN1 is on the minus strand). VCF-style: chr17-4945972-T-A. GRCh37 (hg19) VCF-style: chr17-4849267-T-A.
Other names: c.*435A>T (NM_001375991.1); short protein forms E117D.
Identifiers: ClinVar variation 1806047 (VCV001806047.15), dbSNP rs151313170, ClinGen allele CA8315897.